The following is an entry in ClinVar:

ClinVar aggregate classification (germline): Uncertain significance (1 of 4 stars; one submission).

gnomAD v4.1: 22 of 1,614,122 alleles (0.0014%); highest among the groups gnomAD compares: East Asian, 0.0022%; no homozygotes.

Submission:

GeneDx
Classification: Uncertain significance. Last evaluated: 2026-04-18. Review status: criteria provided, single submitter. Criteria: GeneDx Variant Classification Process June 2021. Collection method: clinical testing. Allele origin: germline.
Comment: Not observed at significant frequency in large population cohorts (gnomAD); In silico analysis supports that this missense variant has a deleterious effect on protein structure/function; Has not been previously published as pathogenic or benign to our knowledge

NM_001003800.2(BICD2):c.385C>G (p.Arg129Gly)

Gene: BICD2 (BICD cargo adaptor 2; minus strand). Cytogenetic location: 9q22.31.
Variant type: single nucleotide variant.
Coding change: c.385C>G on transcript NM_001003800.2 (MANE Select); coding-DNA position 385, C replaced by G.
Protein change: p.Arg129Gly; replaces arginine 129 with glycine.
Molecular consequence: missense variant.
Genome position (GRCh38, 1-based): chr9:92,729,092, G>C on the plus strand (C>G on the coding strand, the complement: BICD2 is on the minus strand). VCF-style: chr9-92729092-G-C. GRCh37 (hg19) VCF-style: chr9-95491374-G-C.
Other names: c.385C>G, p.Arg129Gly (NM_015250.4); short protein forms R129G.
Identifiers: ClinVar variation 5036981 (VCV005036981.1).